The following is an entry in ClinVar:

ClinVar aggregate classification (germline): Uncertain significance (0 of 4 stars; one submission).

Conditions:
PLXNA3-related disorder. Also called: PLXNA3-related condition.

gnomAD v4.1: 49 of 1,202,410 alleles (0.0041%); highest among the groups gnomAD compares: Non-Finnish European, 0.0053%; no homozygotes.

Submission:

PreventionGenetics, part of Exact Sciences
Classification: Uncertain significance for PLXNA3-related condition. Last evaluated: 2024-06-27. Review status: no assertion criteria provided. Collection method: clinical testing. Allele origin: germline.
Comment: The PLXNA3 c.3346C>T variant is predicted to result in the amino acid substitution p.Arg1116Cys. This variant was reported in an individual with severe obesity (van der Klaauw et al. 2019. PubMed ID: 30661757). This variant is reported in 0.0077% of alleles in individuals of European (Non-Finnish) descent in gnomAD. At this time, the clinical significance of this variant is uncertain due to the absence of conclusive functional and genetic evidence.

NM_017514.5(PLXNA3):c.3346C>T (p.Arg1116Cys)

Gene: PLXNA3 (plexin A3; plus strand). Cytogenetic location: Xq28.
Variant type: single nucleotide variant.
Coding change: c.3346C>T on transcript NM_017514.5 (MANE Select); coding-DNA position 3346, C replaced by T.
Protein change: p.Arg1116Cys; replaces arginine 1116 with cysteine.
Molecular consequence: missense variant.
Genome position (GRCh38, 1-based): chrX:154,467,376, C>T. VCF-style: chrX-154467376-C-T. GRCh37 (hg19) VCF-style: chrX-153695719-C-T.
Other names: short protein forms R1116C.
Identifiers: ClinVar variation 3355346 (VCV003355346.1).